The following is an entry in ClinVar:

NM_032383.5(HPS3):c.713-17C>A

Gene: HPS3 (HPS3 biogenesis of lysosomal organelles complex 2 subunit 1; plus strand). Cytogenetic location: 3q24.
Variant type: single nucleotide variant.
Coding change: c.713-17C>A on transcript NM_032383.5 (MANE Select); 17 bases into the intron before coding-DNA position 713, C replaced by A.
Molecular consequence: intron variant.
Genome position (GRCh38, 1-based): chr3:149,141,000, C>A. VCF-style: chr3-149141000-C-A. GRCh37 (hg19) VCF-style: chr3-148858787-C-A.
Other names: c.218-17C>A (NM_001308258.2).
Identifiers: ClinVar variation 1544205 (VCV001544205.9), dbSNP rs143594510, ClinGen allele CA2659866.

ClinVar aggregate classification (germline): Likely benign. Review status: criteria provided, multiple submitters, no conflicts (2 of 4 stars). 2 submissions from 2 submitters: Likely benign (2). Last evaluated 2026-01-22.

Allele frequency attached by ClinVar (database versions not stated): gnomAD 0.00006 and 0.00008; TOPMed 0.00007; gnomAD exomes 0.00012; ExAC 0.00014; ESP Exome Variant Server 0.00015; 1000 Genomes Project 30x 0.00031; 1000 Genomes Project 0.00040.
gnomAD v4.1: 151 of 1,610,420 alleles (0.0094%); highest among the groups gnomAD compares: Non-Finnish European, 0.0098%; no homozygotes.

Submissions (2):

Labcorp Genetics (formerly Invitae), Labcorp
Classification: Likely benign. Last evaluated: 2026-01-22. Review status: criteria provided, single submitter. Criteria: Invitae Variant Classification Sherloc (09022015). Collection method: clinical testing. Allele origin: germline.

Women's Health and Genetics/Laboratory Corporation of America, LabCorp
Classification: Likely benign. Last evaluated: 2023-12-06. Review status: criteria provided, single submitter. Criteria: LabCorp Variant Classification Summary - May 2015. Collection method: clinical testing. Allele origin: germline.
Comment: Variant summary: HPS3 c.713-17C>A alters a non-conserved nucleotide located at a position not widely known to affect splicing. Consensus agreement among computation tools predict no significant impact on normal splicing. However, these predictions have yet to be confirmed by functional studies. The variant allele was found at a frequency of 0.00012 in 250310 control chromosomes (gnomAD). This frequency is not significantly higher than estimated for a pathogenic variant in HPS3 causing Hermansky-Pudlak Syndrome (0.00012 vs 0.00055), allowing no conclusion about variant significance. To our knowledge, no occurrence of c.713-17C>A in individuals affected with Hermansky-Pudlak Syndrome and no experimental evidence demonstrating its impact on protein function have been reported. One submitter has cited a clinical-significance assessment for this variant to ClinVar after 2014 and has classified the variant as likely benign. Based on the evidence outlined above, the variant was classified as likely benign.